The following is an entry in ClinVar:

ClinVar aggregate classification (germline): Uncertain significance (1 of 4 stars; one submission).

Submission:

Dasa
Classification: Uncertain significance. Last evaluated: 2024-10-01. Review status: criteria provided, single submitter. Criteria: DASA Assertion Criteria. Collection method: clinical testing. Allele origin: germline.
Comment: NM_006035.4(CDC42BPB):c.3812-5C>G is a splice-region variant. This variant is absent from population databases. Computational prediction algorithms are consistent with a benign effect. The currently available literature and clinical evidence are not sufficient to establish a definitive association between this variant and the reported condition. Therefore, this variant is classified as a variant of uncertain significance.

NM_006035.4(CDC42BPB):c.3812-5C>G

Gene: CDC42BPB (CDC42 binding protein kinase beta; minus strand). Cytogenetic location: 14q32.32.
Variant type: single nucleotide variant.
Coding change: c.3812-5C>G on transcript NM_006035.4 (MANE Select); 5 bases into the intron before coding-DNA position 3812, C replaced by G.
Molecular consequence: intron variant.
Genome position (GRCh38, 1-based): chr14:102,944,492, G>C on the plus strand (C>G on the coding strand, the complement: CDC42BPB is on the minus strand). VCF-style: chr14-102944492-G-C. GRCh37 (hg19) VCF-style: chr14-103410829-G-C.
Other names: c.3734-5C>G (NM_001411054.1).
Identifiers: ClinVar variation 4883034 (VCV004883034.2).
Genomic context (GRCh38, chr14:102,944,492, plus strand): 5'-CCTGGGAGCAAGCTCGATCTGGTGTACCTTCTTACAGTCAGCGGCACGGACGATCACTGT[G>C]GCAAGGAGGACAAGAGCGTGAGGCCGACGGGACAGCCAGCAGCTCCCAGGGGCTGACGGC-3'